The following is an entry in ClinVar:

ClinVar aggregate classification (germline): Benign/Likely benign. Review status: criteria provided, multiple submitters, no conflicts (2 of 4 stars). 8 submissions from 8 submitters: Benign (1); Likely benign (4). 3 of the submissions do not count toward it. Last evaluated 2025-11-01.

Conditions:
GNAS-related disorder. Identifiers: MedGen CN380105.
Pseudohypoparathyroidism type 1C (PHP1C). Also called: PSEUDOHYPOPARATHYROIDISM, TYPE IC; Pseudohypoparathyroidism Ic (PHP-Ic); PHP IC. Identifiers: Orphanet 79444, MedGen C2932716, MONDO:0012911, OMIM 612462.
Progressive osseous heteroplasia (POH). Also called: Osseus Heteroplasia, Progressive; ECTOPIC OSSIFICATION, FAMILIAL; Progressive Osseus Heteroplasia (POH); Osteoma cutis. Identifiers: Orphanet 2762, MedGen C0334041, MONDO:0008153, OMIM 166350, HP:0025027.
Pseudohypoparathyroidism type 1B (PHP1B). Also called: PHP IB; Pseudohypoparathyroidism Ib (PHP-Ib); Pseudohypoparathyroidism Type IB. Identifiers: Orphanet 94089, MedGen C1864100, MONDO:0011301, OMIM 603233.
Pseudopseudohypoparathyroidism (PPHP). Also called: ALBRIGHT HEREDITARY OSTEODYSTROPHY WITHOUT MULTIPLE HORMONE RESISTANCE; Pseudopseudohypoparathyroidism (PPHP). Identifiers: Orphanet 79445, MedGen C0033835, MONDO:0012912, OMIM 612463.
Pituitary adenoma 3, multiple types. Also called: PITUITARY ADENOMA 3, ACTH-SECRETING, SOMATIC; PITUITARY ADENOMA 3, GROWTH HORMONE-SECRETING, SOMATIC. Identifiers: MedGen C4540135, MONDO:0054665, OMIM 617686.
ACTH-independent macronodular adrenal hyperplasia 1 (AIMAH1). Also called: ACTH-INDEPENDENT MACRONODULAR ADRENOCORTICAL HYPERPLASIA; CUSHING SYNDROME, ADRENAL, DUE TO AIMAH; ACTH-independent macronodular adrenal hyperplasia, somatic; ADRENOCORTICOTROPIC HORMONE-INDEPENDENT MACRONODULAR ADRENAL HYPERPLASIA; CORTICOTROPIN-INDEPENDENT MACRONODULAR ADRENAL HYPERPLASIA. Identifiers: MedGen C1857451, MONDO:0020735, OMIM 219080.
Pseudohypoparathyroidism type I A (PHP1A). Also called: Pseudohypoparathyroidism Type IA; ALBRIGHT HEREDITARY OSTEODYSTROPHY WITH MULTIPLE HORMONE RESISTANCE; PHP IA; Pseudohypoparathyroidism type 1A; Pseudohypoparathyroidism Ia (PHP-Ia). Identifiers: Orphanet 79443, MedGen C3494506, MONDO:0007078, OMIM 103580.
McCune-Albright syndrome (MAS). Also called: ALBRIGHT SYNDROME; Albright's Syndrome; McCune-Albright syndrome, somatic, mosaic; Fibrous Dysplasia / McCune-Albright Syndrome; Albright's disease. Identifiers: Orphanet 562, MedGen C0242292, MONDO:0018919, OMIM 174800.

Allele frequency attached by ClinVar (database versions not stated): ExAC 0.00002; gnomAD exomes 0.00002 and 0.00005; gnomAD 0.00003 and 0.00004; TOPMed 0.00003.
gnomAD v4.1: 82 of 1,613,762 alleles (0.0051%); highest among the groups gnomAD compares: Non-Finnish European, 0.0064%; 2 homozygotes.

Submissions (8):

CeGaT Center for Human Genetics Tuebingen
Classification: Likely benign. Last evaluated: 2025-11-01. Review status: criteria provided, single submitter. Criteria: CeGaT Center For Human Genetics Tuebingen Variant Classification Criteria Version 2. Collection method: clinical testing. Allele origin: germline. Affected: yes. Observed: 2 variant alleles.
Comment: GNAS: BP4, BP7

Labcorp Genetics (formerly Invitae), Labcorp
Classification: Likely benign. Last evaluated: 2025-07-03. Review status: criteria provided, single submitter. Criteria: Invitae Variant Classification Sherloc (09022015). Collection method: clinical testing. Allele origin: germline.

Laboratory of Genetics, Children's Clinical University Hospital Latvia
Classification: Benign. Last evaluated: 2025-02-16. Review status: criteria provided, single submitter. Criteria: ACMG Guidelines, 2015. Collection method: clinical testing. Allele origin: germline. Affected: yes.

Blueprint Genetics
Classification: Likely benign. Last evaluated: 2024-11-27. Review status: criteria provided, single submitter. Criteria: ACMG Guidelines, 2015. Collection method: clinical testing. Allele origin: germline.

Fulgent Genetics
Classification: Likely benign for Pseudohypoparathyroidism type I A; Progressive osseous heteroplasia; McCune-Albright syndrome; ACTH-independent macronodular adrenal hyperplasia 1; Pseudohypoparathyroidism type 1B; Pseudohypoparathyroidism type 1C; Pseudopseudohypoparathyroidism; Pituitary adenoma 3, multiple types. Last evaluated: 2021-07-20. Review status: criteria provided, single submitter. Criteria: ACMG Guidelines, 2015. Collection method: clinical testing. Allele origin: unknown.

PreventionGenetics, part of Exact Sciences
Classification: Likely benign for GNAS-related condition. Last evaluated: 2021-07-21. Review status: no assertion criteria provided. Collection method: clinical testing. Allele origin: germline. Not counted in ClinVar's aggregate classification.
Comment: This variant is classified as likely benign based on ACMG/AMP sequence variant interpretation guidelines (Richards et al. 2015 PMID: 25741868, with internal and published modifications).

Clinical Genetics DNA and cytogenetics Diagnostics Lab, Erasmus MC, Erasmus Medical Center
Classification: Likely benign. Review status: no assertion criteria provided. Collection method: clinical testing. Allele origin: germline. Affected: yes. Study: VKGL Data-share Consensus. Not counted in ClinVar's aggregate classification.

Clinical Genetics, Academic Medical Center
Classification: Likely benign. Review status: no assertion criteria provided. Collection method: clinical testing. Allele origin: germline. Affected: yes. Study: VKGL Data-share Consensus. Not counted in ClinVar's aggregate classification.

NM_000516.7(GNAS):c.936T>C (p.Phe312=)

Gene: GNAS (GNAS complex locus; plus strand). Cytogenetic location: 20q13.32.
Variant type: single nucleotide variant.
Coding change: c.936T>C on transcript NM_000516.7 (MANE Select); coding-DNA position 936, T replaced by C.
Protein change: p.Phe312=; no amino-acid change (phenylalanine 312 retained).
Molecular consequence: synonymous variant. On other transcripts: 3 prime UTR variant (2).
Genome position (GRCh38, 1-based): chr20:58,910,047, T>C. VCF-style: chr20-58910047-T-C. GRCh37 (hg19) VCF-style: chr20-57485102-T-C.
Other names: c.939T>C, p.Phe313= (NM_001077488.5); c.891T>C, p.Phe297= (NM_001077489.4); c.*797T>C (NM_001077490.3); c.759T>C, p.Phe253= (NM_001309840.2, NM_001309861.2); c.*842T>C (NM_016592.5); c.2865T>C, p.Phe955= (NM_080425.4); c.894T>C, p.Phe298= (NM_080426.4); c.936T>C (NM_000516.5).
Identifiers: ClinVar variation 1284589 (VCV001284589.33), dbSNP rs764458531, ClinGen allele CA9927260.